The following is an entry in ClinVar:

ClinVar aggregate classification (germline): Likely pathogenic. Review status: criteria provided, multiple submitters, no conflicts (2 of 4 stars). 3 submissions from 3 submitters: Likely pathogenic (3). Last evaluated 2025-03-11.

Conditions:
Ataxia-telangiectasia syndrome (AT). Also called: Ataxia-telangiectasia, complementation group D; ATAXIA-TELANGIECTASIA, COMPLEMENTATION GROUP A; ATAXIA-TELANGIECTASIA, FRESNO VARIANT; Ataxia-telangiectasia; Ataxia telangiectasia (A-T); Cerebello-oculocutaneous telangiectasia. Identifiers: Orphanet 100, MedGen C0004135, MONDO:0008840, OMIM 208900.
Hereditary cancer-predisposing syndrome. Also called: Tumor predisposition; Hereditary neoplastic syndrome; Neoplastic Syndromes, Hereditary; Hereditary Cancer Syndrome. Identifiers: Orphanet 140162, MedGen C0027672, MeSH D009386, MONDO:0015356.
Familial cancer of breast. Also called: Hereditary breast cancer; hereditary breast carcinoma; BREAST CANCER, FAMILIAL. Identifiers: Orphanet 227535, MedGen C0346153, MONDO:0016419, OMIM 114480. Disease mechanism: loss of function.

Submissions (3):

Ambry Genetics
Classification: Likely pathogenic for Hereditary cancer-predisposing syndrome. Last evaluated: 2025-03-11. Review status: criteria provided, single submitter. Criteria: Ambry Variant Classification Scheme 2023. Collection method: clinical testing. Allele origin: germline.
Comment: The c.4426_4436+14del25 variant results from a deletion of 25 nucleotides between positions 4426 and 4436+14 and involves the canonical splice donor site after coding exon 28 of the ATM gene. This variant is considered to be rare based on population cohorts in the Genome Aggregation Database (gnomAD). The canonical splice donor site is highly conserved in available vertebrate species. In silico splice site analysis predicts that this alteration will weaken the native splice donor site; however, the exact impact of this deletion on ATM splicing and function is currently unknown. Alterations that disrupt the canonical splice site are expected to cause aberrant splicing, resulting in an abnormal protein or a transcript that is subject to nonsense-mediated mRNA decay. As such, this alteration is classified as likely pathogenic.

Myriad Genetics, Inc.
Classification: Likely pathogenic for Familial cancer of breast. Last evaluated: 2024-01-24. Review status: criteria provided, single submitter. Criteria: Myriad Autosomal Dominant, Autosomal Recessive and X-Linked Classification Criteria (2023). Collection method: clinical testing. Allele origin: unknown.
Comment: This variant is considered likely pathogenic. This variant occurs within a consensus splice junction and is predicted to result in abnormal mRNA splicing of either an out-of-frame exon or an in-frame exon necessary for protein stability and/or normal function.

Labcorp Genetics (formerly Invitae), Labcorp
Classification: Likely pathogenic for Ataxia-telangiectasia syndrome. Last evaluated: 2022-10-02. Review status: criteria provided, single submitter. Criteria: Invitae Variant Classification Sherloc (09022015). Collection method: clinical testing. Allele origin: germline.
Comment: In summary, the currently available evidence indicates that the variant is pathogenic, but additional data are needed to prove that conclusively. Therefore, this variant has been classified as Likely Pathogenic. Studies have shown that this variant results in skipping of exon 29 and introduces a premature termination codon (Invitae). The resulting mRNA is expected to undergo nonsense-mediated decay. This variant has not been reported in the literature in individuals affected with ATM-related conditions. This variant is not present in population databases (gnomAD no frequency). This variant results in the deletion of part of exon 29 (c.4426_4436+14del) of the ATM gene. RNA analysis indicates that this variant induces altered splicing and may result in an absent or disrupted protein product.

NM_000051.4(ATM):c.4426_4436+14del

Gene: ATM (ATM serine/threonine kinase; plus strand). Cytogenetic location: 11q22.3.
Variant type: Deletion.
Coding change: c.4426_4436+14del on transcript NM_000051.4 (MANE Select); coding-DNA position 4426 through 14 bases into the intron after coding-DNA position 4436, 25 bases deleted (ATCAACCAAAGGTAAATAACATATT).
Molecular consequence: splice donor variant.
Genome position (GRCh38, 1-based): chr11:108,289,791-108,289,815, ATCAACCAAAGGTAAATAACATATT deleted; deleting any 25 consecutive bases within chr11:108,289,790-108,289,815 gives the same sequence; the c. name uses the placement nearest the transcript's 3' end. VCF-style (leftmost placement, unchanged base first): chr11-108289789-ATATCAACCAAAGGTAAATAACATAT-A. GRCh37 (hg19) VCF-style: chr11-108160516-ATATCAACCAAAGGTAAATAACATAT-A.
Other names: c.4426_4436+14del25 (NM_000051.3); c.4426_4436+14del (NM_001351834.2).
Identifiers: ClinVar variation 2033703 (VCV002033703.6), dbSNP rs2546910831, ClinGen allele CA2580083238.